The following is an entry in ClinVar:

ClinVar aggregate classification (germline): Pathogenic/Likely pathogenic. Review status: criteria provided, multiple submitters, no conflicts (2 of 4 stars). 2 submissions from 2 submitters: Pathogenic (1); Likely pathogenic (1). Last evaluated 2020-10-23.

Conditions:
Holt-Oram syndrome (HOS). Also called: TBX5-Related Holt-Oram Syndrome; Ventriculo-radial syndrome; Cardiac-limb syndrome; Heart-hand syndrome, type 1. Identifiers: Orphanet 392, MedGen C0265264, MONDO:0007732, OMIM 142900.

Submissions (2):

Institute of Medical Genetics and Applied Genomics, University Hospital Tübingen
Classification: Pathogenic. Last evaluated: 2020-10-23. Review status: criteria provided, single submitter. Criteria: ACMG Guidelines, 2015. Collection method: clinical testing. Allele origin: germline. Inheritance: Autosomal dominant inheritance. Affected: yes.

Women's Health and Genetics/Laboratory Corporation of America, LabCorp
Classification: Likely pathogenic for Holt-Oram syndrome. Last evaluated: 2019-02-11. Review status: criteria provided, single submitter. Criteria: LabCorp Variant Classification Summary - May 2015. Collection method: clinical testing. Allele origin: germline.
Comment: Variant summary: TBX5 c.192G>A (p.Trp64X) results in a premature termination codon, predicted to cause a truncation of the encoded protein or absence of the protein due to nonsense mediated decay, which are commonly known mechanisms for disease. The variant was absent in 246266 control chromosomes (gnomAD). A different variant leading to the same protein level change (c.191G>A (p.Trp64X)) has been reported in the literature in an individual affected with Holt-Oram Syndrome (Fan 2003; of note, while the authors described this variant as c.192G>A, their sequence data confirms that it was c.191G>A). To our knowledge, no experimental evidence demonstrating an impact on protein function has been reported. No clinical diagnostic laboratories have submitted clinical-significance assessments for this variant to ClinVar after 2014. Based on the evidence outlined above, the variant was classified as likely pathogenic.

Literature cited by the submitters: PubMed 12624158 (cited by Women's Health and Genetics/Laboratory Corporation of America, LabCorp).

NM_181486.4(TBX5):c.192G>A (p.Trp64Ter)

Gene: TBX5 (T-box transcription factor 5; minus strand). Cytogenetic location: 12q24.21.
Variant type: single nucleotide variant.
Coding change: c.192G>A on transcript NM_181486.4 (MANE Select); coding-DNA position 192, G replaced by A.
Protein change: p.Trp64Ter; replaces tryptophan 64 with a stop codon.
Molecular consequence: nonsense.
Genome position (GRCh38, 1-based): chr12:114,401,876, C>T on the plus strand (G>A on the coding strand, the complement: TBX5 is on the minus strand). VCF-style: chr12-114401876-C-T. GRCh37 (hg19) VCF-style: chr12-114839681-C-T.
Other names: c.192G>A, p.Trp64Ter (NM_000192.3); c.42G>A, p.Trp14Ter (NM_080717.4); short protein forms W14*, W64*.
Identifiers: ClinVar variation 928756 (VCV000928756.3), dbSNP rs1555226581, ClinGen allele CA386863160.